The following is an entry in ClinVar:

ClinVar aggregate classification (germline): Uncertain significance (1 of 4 stars; one submission).

Submission:

Labcorp Genetics (formerly Invitae), Labcorp
Classification: Uncertain significance. Last evaluated: 2024-12-23. Review status: criteria provided, single submitter. Criteria: Invitae Variant Classification Sherloc (09022015). Collection method: clinical testing. Allele origin: germline.
Comment: This sequence change replaces glutamine, which is neutral and polar, with glutamic acid, which is acidic and polar, at codon 473 of the COL11A2 protein (p.Gln473Glu). This variant is not present in population databases (gnomAD no frequency). This variant has not been reported in the literature in individuals affected with COL11A2-related conditions. Invitae Evidence Modeling of protein sequence and biophysical properties (such as structural, functional, and spatial information, amino acid conservation, physicochemical variation, residue mobility, and thermodynamic stability) indicates that this missense variant is not expected to disrupt COL11A2 protein function with a negative predictive value of 95%. In summary, the available evidence is currently insufficient to determine the role of this variant in disease. Therefore, it has been classified as a Variant of Uncertain Significance.

NM_080680.3(COL11A2):c.1417C>G (p.Gln473Glu)

Gene: COL11A2 (collagen type XI alpha 2 chain; minus strand). Cytogenetic location: 6p21.32.
Variant type: single nucleotide variant.
Coding change: c.1417C>G on transcript NM_080680.3 (MANE Select); coding-DNA position 1417, C replaced by G.
Protein change: p.Gln473Glu; replaces glutamine 473 with glutamic acid.
Molecular consequence: missense variant.
Genome position (GRCh38, 1-based): chr6:33,179,748, G>C on the plus strand (C>G on the coding strand, the complement: COL11A2 is on the minus strand). VCF-style: chr6-33179748-G-C. GRCh37 (hg19) VCF-style: chr6-33147525-G-C.
Other names: c.391C>G, p.Gln131Glu (NM_001424110.1, NM_001424111.1); c.1096C>G, p.Gln366Glu (NM_080679.3); c.1159C>G, p.Gln387Glu (NM_080681.3); c.1237C>G, p.Gln413Glu (NM_001424108.1); c.571C>G, p.Gln191Glu (NM_001424109.1); short protein forms Q131E, Q387E, Q413E, Q191E, Q366E, Q473E.
Identifiers: ClinVar variation 3635259 (VCV003635259.2).